The following is an entry in ClinVar:

ClinVar aggregate classification (germline): Uncertain significance (1 of 4 stars; one submission).

Conditions:
Neurodevelopmental disorder. Identifiers: MedGen C1535926, MeSH D065886, MONDO:0700092.

Submission:

Victorian Clinical Genetics Services, Murdoch Childrens Research Institute
Classification: Uncertain significance for Neurodevelopmental disorder. Last evaluated: 2025-04-23. Review status: criteria provided, single submitter. Criteria: ACMG Guidelines, 2015. Collection method: clinical testing. Allele origin: germline. Affected: yes.
Comment: This variant is classified as VUS-3A. Evidence in support of pathogenic classification: Variant is absent from gnomAD (v2, v3 and v4); Missense variant predicted to be damaging by in silico tool(s) or highly conserved with a major amino acid change; Additional information: Variant is predicted to result in a missense amino acid change from leucine to proline; This variant is heterozygous; This gene has been associated with autosomal dominant disease; however, the gene-disease association is not yet well-established (PanelApp Aus); This variant has no previous evidence of pathogenicity; No published segregation evidence has been identified for this variant; No published functional evidence has been identified for this variant; No comparable missense variants have previous evidence for pathogenicity; Variant is located in the annotated armadillo/beta-catenin-like repeat (DECIPHER); Loss of function is a suspected mechanism of disease in this gene and is associated with neurodevelopmental disorder (MONDO:0700092), CTNND2-related.

NM_001332.4(CTNND2):c.2588T>C (p.Leu863Pro)

Gene: CTNND2 (catenin delta 2; minus strand). Cytogenetic location: 5p15.2.
Variant type: single nucleotide variant.
Coding change: c.2588T>C on transcript NM_001332.4 (MANE Select); coding-DNA position 2588, T replaced by C.
Protein change: p.Leu863Pro; replaces leucine 863 with proline.
Molecular consequence: missense variant. On other transcripts: non-coding transcript variant (1).
Genome position (GRCh38, 1-based): chr5:11,098,624, A>G on the plus strand (T>C on the coding strand, the complement: CTNND2 is on the minus strand). VCF-style: chr5-11098624-A-G. GRCh37 (hg19) VCF-style: chr5-11098736-A-G.
Other names: c.2315T>C, p.Leu772Pro (NM_001288715.1); c.1577T>C, p.Leu526Pro (NM_001288716.1, NM_001364128.2); c.1289T>C, p.Leu430Pro (NM_001288717.2); short protein forms L430P, L526P, L772P, L863P.
Identifiers: ClinVar variation 4531961 (VCV004531961.1).